The following is an entry in ClinVar:

NM_152418.4(DCAF4L2):c.141C>T (p.Arg47=)

Gene: DCAF4L2 (DDB1 and CUL4 associated factor 4 like 2; minus strand). Cytogenetic location: 8q21.3.
Variant type: single nucleotide variant.
Coding change: c.141C>T on transcript NM_152418.4 (MANE Select); coding-DNA position 141, C replaced by T.
Protein change: p.Arg47=; no amino-acid change (arginine 47 retained).
Molecular consequence: synonymous variant.
Genome position (GRCh38, 1-based): chr8:87,873,831, G>A on the plus strand (C>T on the coding strand, the complement: DCAF4L2 is on the minus strand). VCF-style: chr8-87873831-G-A. GRCh37 (hg19) VCF-style: chr8-88886059-G-A.
Identifiers: ClinVar variation 3034326 (VCV003034326.2), dbSNP rs142584363, ClinGen allele CA4801294.

ClinVar aggregate classification (germline): Benign (0 of 4 stars; one submission).

Conditions:
DCAF4L2-related disorder. Also called: DCAF4L2-related condition.

Allele frequency attached by ClinVar (database versions not stated): gnomAD exomes 0.00022; ExAC 0.00072; 1000 Genomes Project 30x 0.00203; 1000 Genomes Project 0.00220; gnomAD 0.00229; ESP Exome Variant Server 0.00246; TOPMed 0.00253.

Submission:

PreventionGenetics, part of Exact Sciences
Classification: Benign for DCAF4L2-related condition. Last evaluated: 2019-06-17. Review status: no assertion criteria provided. Collection method: clinical testing. Allele origin: germline.
Comment: This variant is classified as benign based on ACMG/AMP sequence variant interpretation guidelines (Richards et al. 2015 PMID: 25741868, with internal and published modifications).